The following is an entry in ClinVar:

ClinVar aggregate classification (germline): Uncertain significance. Review status: criteria provided, multiple submitters, no conflicts (2 of 4 stars). 2 submissions from 2 submitters: Uncertain significance (2). Last evaluated 2024-10-07.

Conditions:
Congenital generalized lipodystrophy type 2 (CGL2). Also called: SEIP SYNDROME; BERARDINELLI SYNDROME; BRUNZELL SYNDROME, BSCL2-RELATED; Berardinelli-Seip Congenital Lipodystrophy Type 2. Identifiers: Orphanet 528, Orphanet 696289, MedGen C1720863, MONDO:0010020, OMIM 269700.
Severe neurodegenerative syndrome with lipodystrophy. Also called: ENCEPHALOPATHY, PROGRESSIVE, WITH LIPODYSTROPHY; Encephalopathy, progressive, with or without lipodystrophy. Identifiers: Orphanet 363400, MedGen C4014700, MONDO:0014402, OMIM 615924.
Hereditary spastic paraplegia 17. Also called: Silver spastic paraplegia syndrome; SPASTIC PARAPLEGIA WITH AMYOTROPHY OF HANDS AND FEET; Spastic Paraplegia 17; Autosomal dominant spastic paraplegia type 17; Silver Syndrome. Identifiers: Orphanet 100998, MedGen C2931276, MONDO:0010043, OMIM 270685.
Neuronopathy, distal hereditary motor, type 5C. Also called: NEURONOPATHY, DISTAL HEREDITARY MOTOR, AUTOSOMAL DOMINANT 13; DHMN VC; NEURONOPATHY, DISTAL HEREDITARY MOTOR, HARDING TYPE VC; NEUROPATHY, DISTAL HEREDITARY MOTOR, HARDING TYPE VC; SPINAL MUSCULAR ATROPHY, DISTAL, HARDING TYPE VC. Identifiers: MedGen C5436838, MONDO:0030860, OMIM 619112.
Charcot-Marie-Tooth disease type 2. Also called: Charcot-Marie-Tooth type 2. Identifiers: Orphanet 64746, MedGen C0270914, MONDO:0018993.

Allele frequency attached by ClinVar (database versions not stated): ExAC 0.00001; TOPMed 0.00003; gnomAD exomes 0.00001; gnomAD 0.00003.
gnomAD v4.1: 20 of 1,613,728 alleles (0.0012%); highest among the groups gnomAD compares: African/African-American, 0.0053%; no homozygotes.

Submissions (2):

Labcorp Genetics (formerly Invitae), Labcorp
Classification: Uncertain significance for Charcot-Marie-Tooth disease type 2. Last evaluated: 2024-10-07. Review status: criteria provided, single submitter. Criteria: Invitae Variant Classification Sherloc (09022015). Collection method: clinical testing. Allele origin: germline.
Comment: This sequence change replaces proline, which is neutral and non-polar, with leucine, which is neutral and non-polar, at codon 194 of the BSCL2 protein (p.Pro194Leu). This variant is present in population databases (rs769219167, gnomAD 0.007%). This variant has not been reported in the literature in individuals affected with BSCL2-related conditions. ClinVar contains an entry for this variant (Variation ID: 567295). Invitae Evidence Modeling of protein sequence and biophysical properties (such as structural, functional, and spatial information, amino acid conservation, physicochemical variation, residue mobility, and thermodynamic stability) indicates that this missense variant is expected to disrupt BSCL2 protein function with a positive predictive value of 80%. In summary, the available evidence is currently insufficient to determine the role of this variant in disease. Therefore, it has been classified as a Variant of Uncertain Significance.

Fulgent Genetics
Classification: Uncertain significance for Congenital generalized lipodystrophy type 2; Hereditary spastic paraplegia 17; Severe neurodegenerative syndrome with lipodystrophy; Neuronopathy, distal hereditary motor, type 5C. Last evaluated: 2021-11-08. Review status: criteria provided, single submitter. Criteria: ACMG Guidelines, 2015. Collection method: clinical testing. Allele origin: unknown.

NM_001122955.4(BSCL2):c.773C>T (p.Pro258Leu)

Genes: BSCL2 (BSCL2 lipid droplet biogenesis associated, seipin; minus strand), HNRNPUL2-BSCL2 (HNRNPUL2-BSCL2 readthrough (NMD candidate); minus strand). Cytogenetic location: 11q12.3.
Variant type: single nucleotide variant.
Coding change: c.773C>T on transcript NM_001122955.4 (MANE Select); coding-DNA position 773, C replaced by T.
Protein change: p.Pro258Leu; replaces proline 258 with leucine.
Molecular consequence: missense variant. On other transcripts: non-coding transcript variant (1).
Genome position (GRCh38, 1-based): chr11:62,692,466, G>A on the plus strand (C>T on the coding strand, the complement: BSCL2 is on the minus strand). VCF-style: chr11-62692466-G-A. GRCh37 (hg19) VCF-style: chr11-62459938-G-A.
Other names: c.581C>T, p.Pro194Leu (NM_001130702.2, NM_032667.6); c.773C>T, p.Pro258Leu (NM_001386027.1, NM_001386028.1); short protein forms P258L, P194L.
Identifiers: ClinVar variation 567295 (VCV000567295.10), dbSNP rs769219167, ClinGen allele CA6053454.
Genomic context (GRCh38, chr11:62,692,466, plus strand): 5'-AGGTAGGCTCCATACAGCTGGATGCGCTTGCTGTGGATCTCAATGATCGCTCCAGTGGTC[G>A]GCACGTACTGTGAGGGGGTGGGGTGAGGGTGGCGTCAGGCCAGGGTCCTGCCGCTAGCAC-3'
Protein context (NP_001116427.1, residues 248-268): YADYRENSYV[Pro258Leu]TTGAIIEIHS